The following is an entry in ClinVar:

NM_001940.4(ATN1):c.1254_1257del (p.Val420fs)

Gene: ATN1 (atrophin 1; plus strand). Cytogenetic location: 12p13.31.
Variant type: Microsatellite.
Coding change: c.1254_1257del on transcript NM_001940.4 (MANE Select); coding-DNA positions 1254 to 1257, 4 bases deleted (CTCT; older notation c.1254_1257delCTCT).
Protein change: p.Val420fs; shifts the reading frame from valine 420.
Molecular consequence: frameshift variant.
Genome position (GRCh38, 1-based): chr12:6,936,521-6,936,524, CTCT deleted; deleting any 4 consecutive bases within chr12:6,936,519-6,936,524 gives the same sequence; the c. name uses the placement nearest the transcript's 3' end. VCF-style (leftmost placement, unchanged base first): chr12-6936518-CCTCT-C. GRCh37 (hg19) VCF-style: chr12-7045681-CCTCT-C.
Other names: c.1254_1257del, p.Val420fs (NM_001007026.2, NM_001424176.1, NM_001424177.1 and 1 more transcripts); c.1251_1254del, p.Val419fs (NM_001424179.1, NM_001424180.1, NM_001424182.1); short protein forms V419fs, V420fs.
Identifiers: ClinVar variation 3900088 (VCV003900088.1).
Genomic context (GRCh38, chr12:6,936,518, plus strand): 5'-CCCCTTCCCAGCTTCCCAGGCATTGCCCAGCTACCCCCACTCTTTCCCTCCCCCAACAAG[CCTCT>C]CTGTCTCCAATCAGCCCCCCAAGTATACTCAGCCTTCTCTCCCATCCCAGGCTGTGTGGA-3'

ClinVar aggregate classification (germline): Uncertain significance (1 of 4 stars; one submission).

Submission:

GeneDx
Classification: Uncertain significance. Last evaluated: 2024-11-26. Review status: criteria provided, single submitter. Criteria: GeneDx Variant Classification Process June 2021. Collection method: clinical testing. Allele origin: germline. Affected: yes.
Comment: Not observed at significant frequency in large population cohorts (gnomAD); Frameshift variant predicted to result in protein truncation or nonsense mediated decay in a gene or region of a gene for which loss of function is not a well-established mechanism of disease; Has not been previously published as pathogenic or benign to our knowledge